The following is an entry in ClinVar:

ClinVar aggregate classification (germline): Uncertain significance (1 of 4 stars; one submission).

Conditions:
MHC class I deficiency. Identifiers: Orphanet 34592, MedGen C6024714, MONDO:0011476.

Submission:

Labcorp Genetics (formerly Invitae), Labcorp
Classification: Uncertain significance for MHC class I deficiency 1. Last evaluated: 2025-04-10. Review status: criteria provided, single submitter. Criteria: Invitae Variant Classification Sherloc (09022015). Collection method: clinical testing. Allele origin: germline.
Comment: This sequence change affects codon 157 of the TAPBP mRNA. It is a 'silent' change, meaning that it does not change the encoded amino acid sequence of the TAPBP protein. This variant is not present in population databases (gnomAD no frequency). This variant has not been reported in the literature in individuals affected with TAPBP-related conditions. Algorithms developed to predict the effect of sequence changes on RNA splicing suggest that this variant may create or strengthen a splice site. In summary, the available evidence is currently insufficient to determine the role of this variant in disease. Therefore, it has been classified as a Variant of Uncertain Significance.

NM_003190.5(TAPBP):c.471G>A (p.Val157=)

Gene: TAPBP (TAP binding protein; minus strand). Cytogenetic location: 6p21.32.
Variant type: single nucleotide variant.
Coding change: c.471G>A on transcript NM_003190.5 (MANE Select); coding-DNA position 471, G replaced by A.
Protein change: p.Val157=; no amino-acid change (valine 157 retained).
Molecular consequence: synonymous variant.
Genome position (GRCh38, 1-based): chr6:33,305,386, C>T on the plus strand (G>A on the coding strand, the complement: TAPBP is on the minus strand). VCF-style: chr6-33305386-C-T. GRCh37 (hg19) VCF-style: chr6-33273163-C-T.
Other names: c.471G>A, p.Val157= (NM_001410875.1, NM_172208.3); c.210G>A, p.Val70= (NM_172209.3).
Identifiers: ClinVar variation 4717139 (VCV004717139.1).
Genomic context (GRCh38, chr6:33,305,386, plus strand): 5'-CAGAGCATCTTGTCCCAGTCTCACTCGAGGGGCAGGGGTGTGGGTGAGGACAGTCAGTAC[C>T]ACTGAGGAAGACAGGGAGATGAGGGGTTGGGAGGGGCATGAGGGAGAGAAAGAAGGAGAA-3'
Protein context (NP_003181.3, residues 147-167): QEPVLITMAT[Val157=]VLTVLTHTPA